The following is an entry in ClinVar:

ClinVar aggregate classification (germline): Likely benign. Review status: criteria provided, single submitter (1 of 4 stars). 2 submissions from 2 submitters: Likely benign (1). 1 of the submissions does not count toward it. Last evaluated 2018-06-16.

Conditions:
LYRM7-related disorder. Also called: LYRM7-related condition.

Allele frequency attached by ClinVar (database versions not stated): gnomAD exomes below 0.00001.
gnomAD v4.1: 1 of 1,564,398 alleles (0.000064%); highest among the groups gnomAD compares: Non-Finnish European, 0.000087%; no homozygotes.

Submissions (2):

Labcorp Genetics (formerly Invitae), Labcorp
Classification: Likely benign. Last evaluated: 2018-06-16. Review status: criteria provided, single submitter. Criteria: Invitae Variant Classification Sherloc (09022015). Collection method: clinical testing. Allele origin: germline.

PreventionGenetics, part of Exact Sciences
Classification: Likely benign for LYRM7-related condition. Last evaluated: 2019-03-20. Review status: no assertion criteria provided. Collection method: clinical testing. Allele origin: germline. Not counted in ClinVar's aggregate classification.
Comment: This variant is classified as likely benign based on ACMG/AMP sequence variant interpretation guidelines (Richards et al. 2015 PMID: 25741868, with internal and published modifications).

NM_181705.4(LYRM7):c.201A>G (p.Arg67=)

Gene: LYRM7 (LYR motif containing 7; plus strand). Cytogenetic location: 5q23.3.
Variant type: single nucleotide variant.
Coding change: c.201A>G on transcript NM_181705.4 (MANE Select); coding-DNA position 201, A replaced by G.
Protein change: p.Arg67=; no amino-acid change (arginine 67 retained).
Molecular consequence: synonymous variant. On other transcripts: intron variant (1).
Genome position (GRCh38, 1-based): chr5:131,187,066, A>G. VCF-style: chr5-131187066-A-G. GRCh37 (hg19) VCF-style: chr5-130522759-A-G.
Other names: c.162+4767A>G (NM_001293735.2).
Identifiers: ClinVar variation 752188 (VCV000752188.5), dbSNP rs1580696985, ClinGen allele CA446476905.